The following is an entry in ClinVar:

ClinVar aggregate classification (germline): Likely benign. Review status: criteria provided, multiple submitters, no conflicts (2 of 4 stars). 2 submissions from 2 submitters: Likely benign (2). Last evaluated 2026-02-01.

Conditions:
Majeed syndrome (MJDS). Also called: CHRONIC RECURRENT MULTIFOCAL OSTEOMYELITIS 1, WITH CONGENITAL DYSERYTHROPOIETIC ANEMIA, WITH OR WITHOUT NEUTROPHILIC DERMATOSIS; LPIN2-Related Majeed Syndrome. Identifiers: Orphanet 77297, MedGen C1864997, MONDO:0012316, OMIM 609628.

Allele frequency attached by ClinVar (database versions not stated): ExAC 0.00001; gnomAD 0.00001; gnomAD exomes 0.00001; TOPMed 0.00004.
gnomAD v4.1: 12 of 1,612,570 alleles (0.00074%); highest among the groups gnomAD compares: Middle Eastern, 0.016%; no homozygotes.

Submissions (2):

CeGaT Center for Human Genetics Tuebingen
Classification: Likely benign. Last evaluated: 2026-02-01. Review status: criteria provided, single submitter. Criteria: CeGaT Center For Human Genetics Tuebingen Variant Classification Criteria Version 2. Collection method: clinical testing. Allele origin: germline. Affected: yes. Observed: 1 variant allele.
Comment: LPIN2: BP4, BP7

Labcorp Genetics (formerly Invitae), Labcorp
Classification: Likely benign for Majeed syndrome. Last evaluated: 2023-05-22. Review status: criteria provided, single submitter. Criteria: Invitae Variant Classification Sherloc (09022015). Collection method: clinical testing. Allele origin: germline.

NM_001375808.2(LPIN2):c.1785C>T (p.Ala595=)

Gene: LPIN2 (lipin 2; minus strand). Cytogenetic location: 18p11.31.
Variant type: single nucleotide variant.
Coding change: c.1785C>T on transcript NM_001375808.2 (MANE Select); coding-DNA position 1785, C replaced by T.
Protein change: p.Ala595=; no amino-acid change (alanine 595 retained).
Molecular consequence: synonymous variant.
Genome position (GRCh38, 1-based): chr18:2,926,731, G>A on the plus strand (C>T on the coding strand, the complement: LPIN2 is on the minus strand). VCF-style: chr18-2926731-G-A. GRCh37 (hg19) VCF-style: chr18-2926729-G-A.
Other names: c.1785C>T, p.Ala595= (NM_001375809.1, NM_014646.2).
Identifiers: ClinVar variation 1668794 (VCV001668794.12), dbSNP rs775141304, ClinGen allele CA8872967.
Genomic context (GRCh38, chr18:2,926,731, plus strand): 5'-CCCTGCTAGAGGGCCTGAGTGCTATGAGCCGGGCAGAGGACAGGGCACCCACCTGGCACC[G>A]GCCGGCTCCTTGGAGCTGGATGGCAGGTCACTGGCTGGCGGTGCCTCAGATTTTCCCTCC-3'
Protein context (NP_001362737.1, residues 585-605): SDLPSSSKEP[Ala595=]GARPAENDSS